The following is an entry in ClinVar:

ClinVar aggregate classification (germline): Uncertain significance (1 of 4 stars; one submission).

Submission:

Mayo Clinic Laboratories, Mayo Clinic
Classification: Uncertain significance. Last evaluated: 2024-02-20. Review status: criteria provided, single submitter. Criteria: ACMG Guidelines, 2015. Collection method: clinical testing. Allele origin: germline. Observed: 1 variant allele.
Comment: BP4, PM2

NM_000153.4(GALC):c.30G>C (p.Trp10Cys)

Gene: GALC (galactosylceramidase; minus strand). Cytogenetic location: 14q31.3.
Variant type: single nucleotide variant.
Coding change: c.30G>C on transcript NM_000153.4 (MANE Select); coding-DNA position 30, G replaced by C.
Protein change: p.Trp10Cys; replaces tryptophan 10 with cysteine.
Molecular consequence: missense variant. On other transcripts: 5 prime UTR variant (3), non-coding transcript variant (1), intron variant (2).
Genome position (GRCh38, 1-based): chr14:87,993,135, C>G on the plus strand (G>C on the coding strand, the complement: GALC is on the minus strand). VCF-style: chr14-87993135-C-G. GRCh37 (hg19) VCF-style: chr14-88459479-C-G.
Other names: p.Trp10Cys; c.30G>C, p.Trp10Cys (NM_001201401.2); c.-241G>C (NM_001424072.1); c.-407G>C (NM_001424075.1); c.-638G>C (NM_001424077.1); c.-473+248G>C (NM_001424076.1); c.117+248G>C (NM_001201402.2); short protein forms W10C.
Identifiers: ClinVar variation 3380227 (VCV003380227.1).